The following is an entry in ClinVar:

NM_001283009.2(RTEL1):c.3440G>A (p.Gly1147Glu)

Genes: RTEL1 (regulator of telomere elongation helicase 1; plus strand), RTEL1-TNFRSF6B (RTEL1-TNFRSF6B readthrough (NMD candidate); plus strand). Cytogenetic location: 20q13.33.
Variant type: single nucleotide variant.
Coding change: c.3440G>A on transcript NM_001283009.2 (MANE Select); coding-DNA position 3440, G replaced by A.
Protein change: p.Gly1147Glu; replaces glycine 1147 with glutamic acid.
Molecular consequence: missense variant. On other transcripts: non-coding transcript variant (1).
Genome position (GRCh38, 1-based): chr20:63,695,162, G>A. VCF-style: chr20-63695162-G-A. GRCh37 (hg19) VCF-style: chr20-62326515-G-A.
Other names: c.2771G>A, p.Gly924Glu (NM_001283010.1); c.3440G>A, p.Gly1147Glu (NM_016434.4); c.3512G>A, p.Gly1171Glu (NM_032957.5); short protein forms G1147E, G1171E, G924E.
Identifiers: ClinVar variation 2174414 (VCV002174414.3), dbSNP rs760021645, ClinGen allele CA9966033.

ClinVar aggregate classification (germline): Uncertain significance (1 of 4 stars; one submission).

Conditions:
Pulmonary fibrosis and/or bone marrow failure, Telomere-related, 3. Also called: PULMONARY FIBROSIS AND/OR BONE MARROW FAILURE SYNDROME, TELOMERE-RELATED, 3. Identifiers: Orphanet 2032, MedGen C4225346, MONDO:0014613, OMIM 616373.
Dyskeratosis congenita, autosomal recessive 5 (DKCB5). Identifiers: MedGen C3554656, MONDO:0014076, OMIM 615190.

Allele frequency attached by ClinVar (database versions not stated): ExAC 0.00003.
gnomAD v4.1: 14 of 1,612,422 alleles (0.00087%); highest among the groups gnomAD compares: Non-Finnish European, 0.0012%; no homozygotes.

Submission:

Labcorp Genetics (formerly Invitae), Labcorp
Classification: Uncertain significance for Dyskeratosis congenita, autosomal recessive 5; Pulmonary fibrosis and/or bone marrow failure, Telomere-related, 3. Last evaluated: 2025-11-27. Review status: criteria provided, single submitter. Criteria: Invitae Variant Classification Sherloc (09022015). Collection method: clinical testing. Allele origin: germline.
Comment: This sequence change replaces glycine, which is neutral and non-polar, with glutamic acid, which is acidic and polar, at codon 1147 of the RTEL1 protein (p.Gly1147Glu). This variant is present in population databases (rs760021645, gnomAD 0.004%). This missense change has been observed in individual(s) with clinical features of RTEL1-related conditions (PMID: 37216690). ClinVar contains an entry for this variant (Variation ID: 2174414). An algorithm developed to predict the effect of missense changes on protein structure and function outputs the following: PolyPhen-2: "Benign". The glutamic acid amino acid residue is found in multiple mammalian species, which suggests that this missense change does not adversely affect protein function. In summary, the available evidence is currently insufficient to determine the role of this variant in disease. Therefore, it has been classified as a Variant of Uncertain Significance.

Literature cited by the submitters: PubMed 37216690.